The following is an entry in ClinVar:

ClinVar aggregate classification (germline): Uncertain significance (1 of 4 stars; one submission).

Submission:

Labcorp Genetics (formerly Invitae), Labcorp
Classification: Uncertain significance. Last evaluated: 2023-06-19. Review status: criteria provided, single submitter. Criteria: Invitae Variant Classification Sherloc (09022015). Collection method: clinical testing. Allele origin: germline.
Comment: In summary, the available evidence is currently insufficient to determine the role of this variant in disease. Therefore, it has been classified as a Variant of Uncertain Significance. An algorithm developed to predict the effect of missense changes on protein structure and function (PolyPhen-2) suggests that this variant is likely to be disruptive. ClinVar contains an entry for this variant (Variation ID: 1721289). This variant has not been reported in the literature in individuals affected with HMCN1-related conditions. This variant is not present in population databases (gnomAD no frequency). This sequence change replaces aspartic acid, which is acidic and polar, with asparagine, which is neutral and polar, at codon 4899 of the HMCN1 protein (p.Asp4899Asn).

NM_031935.3(HMCN1):c.14695G>A (p.Asp4899Asn)

Gene: HMCN1 (hemicentin 1; plus strand). Cytogenetic location: 1q31.1.
Variant type: single nucleotide variant.
Coding change: c.14695G>A on transcript NM_031935.3 (MANE Select); coding-DNA position 14695, G replaced by A.
Protein change: p.Asp4899Asn; replaces aspartic acid 4899 with asparagine.
Molecular consequence: missense variant.
Genome position (GRCh38, 1-based): chr1:186,151,286, G>A. VCF-style: chr1-186151286-G-A. GRCh37 (hg19) VCF-style: chr1-186120418-G-A.
Other names: short protein forms D4899N.
Identifiers: ClinVar variation 1721289 (VCV001721289.5), dbSNP rs2528149374, ClinGen allele CA343920202.
Genomic context (GRCh38, chr1:186,151,286, plus strand): 5'-GTTATTGGAAATATTAATGATGTTGAATTTGGAATTGCTTTCCTTAATGCCACAATAACT[G>A]ATAGCCCTAACTCTGATACTAGAATAATACGTGCCAAAATTACCAATGTACCTCGTAGTC-3'
Protein context (NP_114141.2, residues 4889-4909): GIAFLNATIT[Asp4899Asn]SPNSDTRIIR